The following is an entry in ClinVar:

NM_001048174.2(MUTYH):c.40A>T (p.Lys14Ter)

Gene: MUTYH (mutY DNA glycosylase; minus strand). Cytogenetic location: 1p34.1.
Variant type: single nucleotide variant.
Coding change: c.40A>T on transcript NM_001048174.2 (MANE Select); coding-DNA position 40, A replaced by T.
Protein change: p.Lys14Ter; replaces lysine 14 with a stop codon.
Molecular consequence: nonsense. On other transcripts: 5 prime UTR variant (4), non-coding transcript variant (2).
Genome position (GRCh38, 1-based): chr1:45,334,466, T>A on the plus strand (A>T on the coding strand, the complement: MUTYH is on the minus strand). VCF-style: chr1-45334466-T-A. GRCh37 (hg19) VCF-style: chr1-45800138-T-A.
Other names: c.40A>T, p.Lys14Ter (NM_001048171.2, NM_001048172.2, NM_001048173.2 and 15 more transcripts); c.82A>T, p.Lys28Ter (NM_001128425.2, NM_001293190.2, NM_001407069.1 and 2 more transcripts); c.-173A>T (NM_001293192.2, NM_001293196.2, NM_001407091.1); c.-232A>T (NM_001350650.2); c.-168A>T (NM_001350651.2, NM_001407082.1); c.-117A>T (NM_001407075.1); c.58A>T, p.Lys20Ter (NM_001407087.1); short protein forms K28*, K14*, K20*.
Identifiers: ClinVar variation 1762814 (VCV001762814.4), dbSNP rs2524361370, ClinGen allele CA340137165.

ClinVar aggregate classification (germline): Pathogenic/Likely pathogenic. Review status: criteria provided, multiple submitters, no conflicts (2 of 4 stars). 2 submissions from 2 submitters: Pathogenic (1); Likely pathogenic (1). Last evaluated 2024-09-03.

Conditions:
Familial adenomatous polyposis 2. Also called: MUTYH-associated polyposis; MUTYH-related attenuated familial adenomatous polyposis; FAP type 2; Adenomas, multiple colorectal; MYH-associated polyposis; MUTYH Polyposis. Identifiers: Orphanet 220460, Orphanet 247798, MedGen C3272841, MONDO:0012041, OMIM 608456.
Hereditary cancer-predisposing syndrome. Also called: Hereditary Cancer Syndrome; Hereditary neoplastic syndrome; Neoplastic Syndromes, Hereditary; Tumor predisposition. Identifiers: Orphanet 140162, MedGen C0027672, MeSH D009386, MONDO:0015356.

Submissions (2):

Labcorp Genetics (formerly Invitae), Labcorp
Classification: Pathogenic for Familial adenomatous polyposis 2. Last evaluated: 2024-09-03. Review status: criteria provided, single submitter. Criteria: Invitae Variant Classification Sherloc (09022015). Collection method: clinical testing. Allele origin: germline.
Comment: This sequence change creates a premature translational stop signal (p.Lys28*) in the MUTYH gene. It is expected to result in an absent or disrupted protein product. Loss-of-function variants in MUTYH are known to be pathogenic (PMID: 18534194, 20663686). This variant is not present in population databases (gnomAD no frequency). This variant has not been reported in the literature in individuals affected with MUTYH-related conditions. ClinVar contains an entry for this variant (Variation ID: 1762814). For these reasons, this variant has been classified as Pathogenic.

Ambry Genetics
Classification: Likely pathogenic for Hereditary cancer-predisposing syndrome. Last evaluated: 2021-12-17. Review status: criteria provided, single submitter. Criteria: Ambry Variant Classification Scheme 2023. Collection method: clinical testing. Allele origin: germline.
Comment: The p.K28* variant (also known as c.82A>T), located in coding exon 2 of the MUTYH gene, results from an A to T substitution at nucleotide position 82. This changes the amino acid from a lysine to a stop codon within coding exon 2. The predicted stop codon occurs in the 5&rsquo; end of theMUTYH gene. Premature termination codons in the 5&rsquo; end of a gene have been reported to escape nonsense-mediated mRNAdecay and/or lead to re-initiation (Rivas et al. Science. 2015 May 8;348(6235):666-9; Lindeboom et al. Nat Genet. 2016 Oct;48(10):1112-8; Rhee et al. Sci Rep. 2017 May 10;7(1):1653). Direct evidence for this alteration is unavailable, however premature termination codons are typically deleterious in nature. This variant is considered to be rare based on population cohorts in the Genome Aggregation Database (gnomAD). Based on the majority of available evidence to date, this variant is likely to be pathogenic.

Literature cited by the submitters: PubMed 18534194 (cited by Labcorp Genetics (formerly Invitae), Labcorp); PubMed 20663686 (cited by Labcorp Genetics (formerly Invitae), Labcorp).